The following is an entry in ClinVar:

ClinVar aggregate classification (germline): Uncertain significance (1 of 4 stars; one submission).

Conditions:
Inborn genetic diseases. Identifiers: MedGen C0950123, MeSH D030342.

Submission:

Ambry Genetics
Classification: Uncertain significance for Inborn genetic diseases. Last evaluated: 2022-12-23. Review status: criteria provided, single submitter. Criteria: Ambry Variant Classification Scheme 2023. Collection method: clinical testing. Allele origin: germline.
Comment: The p.G94V variant (also known as c.281G>T), located in coding exon 3 of the ATR gene, results from a G to T substitution at nucleotide position 281. The glycine at codon 94 is replaced by valine, an amino acid with dissimilar properties. This amino acid position is conserved. In addition, this alteration is predicted to be tolerated by in silico analysis. Since supporting evidence is limited at this time, the clinical significance of this alteration remains unclear.

NM_001184.4(ATR):c.281G>T (p.Gly94Val)

Gene: ATR (ATR checkpoint kinase; minus strand). Cytogenetic location: 3q23.
Variant type: single nucleotide variant.
Coding change: c.281G>T on transcript NM_001184.4 (MANE Select); coding-DNA position 281, G replaced by T.
Protein change: p.Gly94Val; replaces glycine 94 with valine.
Molecular consequence: missense variant.
Genome position (GRCh38, 1-based): chr3:142,566,132, C>A on the plus strand (G>T on the coding strand, the complement: ATR is on the minus strand). VCF-style: chr3-142566132-C-A. GRCh37 (hg19) VCF-style: chr3-142284974-C-A.
Other names: c.281G>T, p.Gly94Val (NM_001354579.2); short protein forms G94V.
Identifiers: ClinVar variation 2447381 (VCV002447381.2), dbSNP rs1335528590, ClinGen allele CA354828269.
Genomic context (GRCh38, chr3:142,566,132, plus strand): 5'-GGATTTTATAGAACAGATGGCAAGTGAATGCATGAATAACAGCACTTACCAATACAACTG[C>A]CTTTGGCCTCATGGCTTCCACTCACATTTACAAACATAAGTGGGGAGGATTTCATGATAT-3'
Protein context (NP_001175.2, residues 84-104): VNVSGSHEAK[Gly94Val]SCIEFSNWII